The following is an entry in ClinVar:

NM_015404.4(WHRN):c.2231C>T (p.Thr744Met)

Gene: WHRN (whirlin; minus strand). Cytogenetic location: 9q32.
Variant type: single nucleotide variant.
Coding change: c.2231C>T on transcript NM_015404.4 (MANE Select); coding-DNA position 2231, C replaced by T.
Protein change: p.Thr744Met; replaces threonine 744 with methionine.
Molecular consequence: missense variant.
Genome position (GRCh38, 1-based): chr9:114,406,360, G>A on the plus strand (C>T on the coding strand, the complement: WHRN is on the minus strand). VCF-style: chr9-114406360-G-A. GRCh37 (hg19) VCF-style: chr9-117168640-G-A.
Other names: c.1082C>T, p.Thr361Met (NM_001083885.3); c.2231C>T, p.Thr744Met (NM_001173425.2); c.1178C>T, p.Thr393Met (NM_001346890.1); short protein forms T744M, T361M, T393M.
Identifiers: ClinVar variation 914000 (VCV000914000.8), dbSNP rs751846994, ClinGen allele CA5205714.

ClinVar aggregate classification (germline): Uncertain significance. Review status: criteria provided, multiple submitters, no conflicts (2 of 4 stars). 3 submissions from 2 submitters: Uncertain significance (3). Last evaluated 2022-08-09.

Conditions:
Autosomal recessive nonsyndromic hearing loss 31. Also called: WHIRLER, MOUSE, HOMOLOG OF. Identifiers: Orphanet 90636, MedGen C1846839, MONDO:0011767, OMIM 607084.
Usher syndrome type 2D. Also called: USHER SYNDROME, TYPE IID. Identifiers: Orphanet 231178, Orphanet 886, MedGen C1568249, MONDO:0012662, OMIM 611383.

Allele frequency attached by ClinVar (database versions not stated): gnomAD 0.00001 and 0.00002; TOPMed 0.00002.
gnomAD v4.1: 31 of 1,613,990 alleles (0.0019%); highest among the groups gnomAD compares: South Asian, 0.0066%; no homozygotes.

Submissions (3):

Labcorp Genetics (formerly Invitae), Labcorp
Classification: Uncertain significance. Last evaluated: 2022-08-09. Review status: criteria provided, single submitter. Criteria: Invitae Variant Classification Sherloc (09022015). Collection method: clinical testing. Allele origin: germline.
Comment: This sequence change replaces threonine, which is neutral and polar, with methionine, which is neutral and non-polar, at codon 744 of the WHRN protein (p.Thr744Met). This variant is present in population databases (rs751846994, gnomAD 0.006%). This variant has not been reported in the literature in individuals affected with WHRN-related conditions. ClinVar contains an entry for this variant (Variation ID: 914000). Algorithms developed to predict the effect of missense changes on protein structure and function are either unavailable or do not agree on the potential impact of this missense change (SIFT: "Tolerated"; PolyPhen-2: "Possibly Damaging"; Align-GVGD: "Class C0"). In summary, the available evidence is currently insufficient to determine the role of this variant in disease. Therefore, it has been classified as a Variant of Uncertain Significance.

Illumina Laboratory Services, Illumina
Classification: Uncertain significance for Usher syndrome type 2D. Last evaluated: 2018-01-13. Review status: criteria provided, single submitter. Criteria: ICSL Variant Classification Criteria 13 December 2019. Collection method: clinical testing. Allele origin: germline.

Illumina Laboratory Services, Illumina
Classification: Uncertain significance for Autosomal recessive nonsyndromic hearing loss 31. Last evaluated: 2018-01-13. Review status: criteria provided, single submitter. Criteria: ICSL Variant Classification Criteria 13 December 2019. Collection method: clinical testing. Allele origin: germline.